The following is an entry in ClinVar:

ClinVar aggregate classification (germline): Uncertain significance. Review status: criteria provided, multiple submitters, no conflicts (2 of 4 stars). 2 submissions from 2 submitters: Uncertain significance (2). Last evaluated 2025-09-24.

Conditions:
Inborn genetic diseases. Identifiers: MedGen C0950123, MeSH D030342.

Allele frequency attached by ClinVar (database versions not stated): gnomAD 0.00005; gnomAD exomes 0.00002; TOPMed 0.00002; ExAC 0.00008; 1000 Genomes Project 30x 0.00016; 1000 Genomes Project 0.00020.

Submissions (2):

Ambry Genetics
Classification: Uncertain significance for Inborn genetic diseases. Last evaluated: 2025-09-24. Review status: criteria provided, single submitter. Criteria: Ambry Variant Classification Scheme 2023. Collection method: clinical testing. Allele origin: germline.

Labcorp Genetics (formerly Invitae), Labcorp
Classification: Uncertain significance. Last evaluated: 2022-07-01. Review status: criteria provided, single submitter. Criteria: Invitae Variant Classification Sherloc (09022015). Collection method: clinical testing. Allele origin: germline.
Comment: This sequence change replaces proline, which is neutral and non-polar, with serine, which is neutral and polar, at codon 463 of the HPS3 protein (p.Pro463Ser). This variant is present in population databases (rs373939378, gnomAD 0.06%). This variant has not been reported in the literature in individuals affected with HPS3-related conditions. Algorithms developed to predict the effect of missense changes on protein structure and function output the following: SIFT: "Tolerated"; PolyPhen-2: "Probably Damaging"; Align-GVGD: "Class C0". The serine amino acid residue is found in multiple mammalian species, which suggests that this missense change does not adversely affect protein function. In summary, the available evidence is currently insufficient to determine the role of this variant in disease. Therefore, it has been classified as a Variant of Uncertain Significance.

NM_032383.5(HPS3):c.1387C>T (p.Pro463Ser)

Gene: HPS3 (HPS3 biogenesis of lysosomal organelles complex 2 subunit 1; plus strand). Cytogenetic location: 3q24.
Variant type: single nucleotide variant.
Coding change: c.1387C>T on transcript NM_032383.5 (MANE Select); coding-DNA position 1387, C replaced by T.
Protein change: p.Pro463Ser; replaces proline 463 with serine.
Molecular consequence: missense variant.
Genome position (GRCh38, 1-based): chr3:149,153,635, C>T. VCF-style: chr3-149153635-C-T. GRCh37 (hg19) VCF-style: chr3-148871422-C-T.
Other names: c.1387C>T (NM_032383.3); c.892C>T, p.Pro298Ser (NM_001308258.2); short protein forms P463S, P298S.
Identifiers: ClinVar variation 2058405 (VCV002058405.4), dbSNP rs373939378, ClinGen allele CA2660077.